The following is an entry in ClinVar:

ClinVar aggregate classification (germline): Uncertain significance (1 of 4 stars; one submission).

Submission:

GeneDx
Classification: Uncertain significance. Last evaluated: 2024-06-12. Review status: criteria provided, single submitter. Criteria: GeneDx Variant Classification Process June 2021. Collection method: clinical testing. Allele origin: germline. Affected: yes.
Comment: Not observed at significant frequency in large population cohorts (gnomAD); In silico analysis supports that this missense variant has a deleterious effect on protein structure/function; Has not been previously published as pathogenic or benign to our knowledge

NM_006885.4(ZFHX3):c.8197C>A (p.Arg2733Ser)

Genes: ZFHX3 (zinc finger homeobox 3; minus strand), ZFHX3-AS1 (ZFHX3 antisense RNA 1; plus strand). Cytogenetic location: 16q22.2.
Variant type: single nucleotide variant.
Coding change: c.8197C>A on transcript NM_006885.4 (MANE Select); coding-DNA position 8197, C replaced by A.
Protein change: p.Arg2733Ser; replaces arginine 2733 with serine.
Molecular consequence: missense variant.
Genome position (GRCh38, 1-based): chr16:72,794,485, G>T on the plus strand (C>A on the coding strand, the complement: ZFHX3 is on the minus strand). VCF-style: chr16-72794485-G-T. GRCh37 (hg19) VCF-style: chr16-72828384-G-T.
Other names: c.5455C>A, p.Arg1819Ser (NM_001164766.2); c.8197C>A, p.Arg2733Ser (NM_001386735.1); short protein forms R1819S, R2733S.
Identifiers: ClinVar variation 3390840 (VCV003390840.1).